The following is an entry in ClinVar:

ClinVar aggregate classification (germline): Pathogenic (1 of 4 stars; one submission).

Submission:

Labcorp Genetics (formerly Invitae), Labcorp
Classification: Pathogenic. Last evaluated: 2023-09-21. Review status: criteria provided, single submitter. Criteria: Invitae Variant Classification Sherloc (09022015). Collection method: clinical testing. Allele origin: germline.
Comment: This sequence change creates a premature translational stop signal (p.Glu1163*) in the COL17A1 gene. It is expected to result in an absent or disrupted protein product. Loss-of-function variants in COL17A1 are known to be pathogenic (PMID: 16473856, 17344927, 20301304, 21357940, 24319098). This variant is not present in population databases (gnomAD no frequency). This premature translational stop signal has been observed in individual(s) with junctional epidermolysis bullosa (PMID: 33393081). For these reasons, this variant has been classified as Pathogenic.

Literature cited by the submitters: PubMed 16473856; PubMed 17344927; PubMed 20301304; PubMed 21357940; PubMed 24319098; PubMed 33393081.

NM_000494.4(COL17A1):c.3487G>T (p.Glu1163Ter)

Gene: COL17A1 (collagen type XVII alpha 1 chain; minus strand). Cytogenetic location: 10q25.1.
Variant type: single nucleotide variant.
Coding change: c.3487G>T on transcript NM_000494.4 (MANE Select); coding-DNA position 3487, G replaced by T.
Protein change: p.Glu1163Ter; replaces glutamic acid 1163 with a stop codon.
Molecular consequence: nonsense.
Genome position (GRCh38, 1-based): chr10:104,035,495, C>A on the plus strand (G>T on the coding strand, the complement: COL17A1 is on the minus strand). VCF-style: chr10-104035495-C-A. GRCh37 (hg19) VCF-style: chr10-105795253-C-A.
Other names: short protein forms E1163*.
Identifiers: ClinVar variation 2735482 (VCV002735482.3), dbSNP rs1014631229, ClinGen allele CA378066472.